The following is an entry in ClinVar:

ClinVar aggregate classification (germline): Uncertain significance (1 of 4 stars; one submission).

Allele frequency attached by ClinVar (database versions not stated): gnomAD exomes below 0.00001.

Submission:

Labcorp Genetics (formerly Invitae), Labcorp
Classification: Uncertain significance. Last evaluated: 2023-04-03. Review status: criteria provided, single submitter. Criteria: Invitae Variant Classification Sherloc (09022015). Collection method: clinical testing. Allele origin: germline.
Comment: This variant has not been reported in the literature in individuals affected with HYOU1-related conditions. This sequence change replaces methionine, which is neutral and non-polar, with threonine, which is neutral and polar, at codon 895 of the HYOU1 protein (p.Met895Thr). This variant is present in population databases (no rsID available, gnomAD 0.003%). An algorithm developed to predict the effect of missense changes on protein structure and function (PolyPhen-2) suggests that this variant is likely to be tolerated. In summary, the available evidence is currently insufficient to determine the role of this variant in disease. Therefore, it has been classified as a Variant of Uncertain Significance.

NM_006389.5(HYOU1):c.2684T>C (p.Met895Thr)

Gene: HYOU1 (hypoxia up-regulated 1; minus strand). Cytogenetic location: 11q23.3.
Variant type: single nucleotide variant.
Coding change: c.2684T>C on transcript NM_006389.5 (MANE Select); coding-DNA position 2684, T replaced by C.
Protein change: p.Met895Thr; replaces methionine 895 with threonine.
Molecular consequence: missense variant.
Genome position (GRCh38, 1-based): chr11:119,046,714, A>G on the plus strand (T>C on the coding strand, the complement: HYOU1 is on the minus strand). VCF-style: chr11-119046714-A-G. GRCh37 (hg19) VCF-style: chr11-118917426-A-G.
Other names: c.2684T>C, p.Met895Thr (NM_001130991.3, NM_001411041.1); short protein forms M895T.
Identifiers: ClinVar variation 3019339 (VCV003019339.3), dbSNP rs1443799599, ClinGen allele CA382919636.